The following is an entry in ClinVar:

NM_053025.4(MYLK):c.2804C>T (p.Pro935Leu)

Gene: MYLK (myosin light chain kinase; minus strand). Cytogenetic location: 3q21.1.
Variant type: single nucleotide variant.
Coding change: c.2804C>T on transcript NM_053025.4 (MANE Select); coding-DNA position 2804, C replaced by T.
Protein change: p.Pro935Leu; replaces proline 935 with leucine.
Molecular consequence: missense variant.
Genome position (GRCh38, 1-based): chr3:123,700,664, G>A on the plus strand (C>T on the coding strand, the complement: MYLK is on the minus strand). VCF-style: chr3-123700664-G-A. GRCh37 (hg19) VCF-style: chr3-123419511-G-A.
Other names: c.2276C>T, p.Pro759Leu (NM_001321309.2); c.2597C>T, p.Pro866Leu (NM_053026.4, NM_053028.4); c.2804C>T, p.Pro935Leu (NM_053027.4); short protein forms P935L, P759L, P866L.
Identifiers: ClinVar variation 577755 (VCV000577755.8), dbSNP rs1359230351, ClinGen allele CA354231281.
Genomic context (GRCh38, chr3:123,700,664, plus strand): 5'-GAGCGAAAATCGACCTGCTGGGGGCTGTGCACCTTCCTCTCTTCCTCAGACACAGTCTTT[G>A]GCTTCACTTGCCGCTGCAGGTTGGCACGGAAATCCATCTGCTCGGCTGGGATCTCCTTCA-3'
Protein context (NP_444253.3, residues 925-945): FRANLQRQVK[Pro935Leu]KTVSEEERKV

ClinVar aggregate classification (germline): Uncertain significance (1 of 4 stars; one submission).

Conditions:
Aortic aneurysm, familial thoracic 7 (AAT7). Also called: AORTIC DISSECTION, FAMILIAL, WITH OR WITHOUT AORTIC ANEURYSM. Identifiers: MedGen C3151077, MONDO:0013418, OMIM 613780.

Allele frequency attached by ClinVar (database versions not stated): TOPMed below 0.00001.
gnomAD v4.1: 11 of 1,614,130 alleles (0.00068%); highest among the groups gnomAD compares: Non-Finnish European, 0.00085%; no homozygotes.

Submission:

Labcorp Genetics (formerly Invitae), Labcorp
Classification: Uncertain significance for Aortic aneurysm, familial thoracic 7. Last evaluated: 2022-02-05. Review status: criteria provided, single submitter. Criteria: Invitae Variant Classification Sherloc (09022015). Collection method: clinical testing. Allele origin: germline.
Comment: This sequence change replaces proline, which is neutral and non-polar, with leucine, which is neutral and non-polar, at codon 935 of the MYLK protein (p.Pro935Leu). In summary, the available evidence is currently insufficient to determine the role of this variant in disease. Therefore, it has been classified as a Variant of Uncertain Significance. Advanced modeling of protein sequence and biophysical properties (such as structural, functional, and spatial information, amino acid conservation, physicochemical variation, residue mobility, and thermodynamic stability) performed at Invitae indicates that this missense variant is not expected to disrupt MYLK protein function. ClinVar contains an entry for this variant (Variation ID: 577755). This variant has not been reported in the literature in individuals affected with MYLK-related conditions. This variant is not present in population databases (gnomAD no frequency).